The following is an entry in ClinVar:

ClinVar aggregate classification (germline): Conflicting classifications of pathogenicity. Review status: criteria provided, conflicting classifications (1 of 4 stars). 5 submissions from 5 submitters: Uncertain significance (2); Likely benign (2). 1 of the submissions does not count toward it. Last evaluated 2023-03-10.

Conditions:
Cardiovascular phenotype. Identifiers: MedGen CN230736.
ABCG8-related disorder. Also called: ABCG8-related condition.
Sitosterolemia 1. Identifiers: MedGen C2749759, MONDO:0020747, OMIM 210250.

Allele frequency attached by ClinVar (database versions not stated): gnomAD exomes 0.00004; gnomAD 0.00005 and 0.00006; ExAC 0.00007; TOPMed 0.00007; ESP Exome Variant Server 0.00023.
gnomAD v4.1: 81 of 1,614,074 alleles (0.005%); highest among the groups gnomAD compares: Non-Finnish European, 0.0067%; no homozygotes.

Submissions (5):

Labcorp Genetics (formerly Invitae), Labcorp
Classification: Likely benign. Last evaluated: 2023-03-10. Review status: criteria provided, single submitter. Criteria: Invitae Variant Classification Sherloc (09022015). Collection method: clinical testing. Allele origin: germline.

Ambry Genetics
Classification: Likely benign for Cardiovascular phenotype. Last evaluated: 2021-03-13. Review status: criteria provided, single submitter. Criteria: Ambry Variant Classification Scheme 2023. Collection method: clinical testing. Allele origin: germline.

Illumina Laboratory Services, Illumina
Classification: Uncertain significance for Sitosterolemia 1. Last evaluated: 2018-01-13. Review status: criteria provided, single submitter. Criteria: ICSL Variant Classification Criteria 13 December 2019. Collection method: clinical testing. Allele origin: germline.

Eurofins Ntd Llc (ga)
Classification: Uncertain significance. Last evaluated: 2017-10-26. Review status: criteria provided, single submitter. Criteria: EGL Classification Definitions 2015. Collection method: clinical testing. Allele origin: germline. Observed: 1 variant allele, 1 heterozygote.

PreventionGenetics, part of Exact Sciences
Classification: Likely benign for ABCG8-related condition. Last evaluated: 2021-12-03. Review status: no assertion criteria provided. Collection method: clinical testing. Allele origin: germline. Not counted in ClinVar's aggregate classification.
Comment: This variant is classified as likely benign based on ACMG/AMP sequence variant interpretation guidelines (Richards et al. 2015 PMID: 25741868, with internal and published modifications).

NM_022437.3(ABCG8):c.1353C>T (p.Leu451=)

Gene: ABCG8 (ATP binding cassette subfamily G member 8; plus strand). Cytogenetic location: 2p21.
Variant type: single nucleotide variant.
Coding change: c.1353C>T on transcript NM_022437.3 (MANE Select); coding-DNA position 1353, C replaced by T.
Protein change: p.Leu451=; no amino-acid change (leucine 451 retained).
Molecular consequence: synonymous variant.
Genome position (GRCh38, 1-based): chr2:43,873,928, C>T. VCF-style: chr2-43873928-C-T. GRCh37 (hg19) VCF-style: chr2-44101067-C-T.
Other names: c.1350C>T, p.Leu450= (NM_001357321.2).
Identifiers: ClinVar variation 594738 (VCV000594738.22), dbSNP rs373560827, ClinGen allele CA1637411.